The following is an entry in ClinVar:

ClinVar aggregate classification (germline): Uncertain significance. Review status: criteria provided, multiple submitters, no conflicts (2 of 4 stars). 3 submissions from 3 submitters: Uncertain significance (2). 1 of the submissions does not count toward it. Last evaluated 2026-01-26.

Conditions:
Retinal dystrophy. Also called: Inherited retinal dystrophy. Identifiers: Orphanet 71862, MedGen C0854723, MeSH D058499, MONDO:0019118, HP:0000556.

Allele frequency attached by ClinVar (database versions not stated): gnomAD exomes 0.00002 and 0.00003; gnomAD 0.00003; TOPMed 0.00003; ExAC 0.00004.
gnomAD v4.1: 26 of 1,206,512 alleles (0.0022%); highest among the groups gnomAD compares: South Asian, 0.03%; no homozygotes.

Submissions (3):

Labcorp Genetics (formerly Invitae), Labcorp
Classification: Uncertain significance. Last evaluated: 2026-01-26. Review status: criteria provided, single submitter. Criteria: Invitae Variant Classification Sherloc (09022015). Collection method: clinical testing. Allele origin: germline.
Comment: This sequence change replaces glycine, which is neutral and non-polar, with serine, which is neutral and polar, at codon 584 of the CACNA1F protein (p.Gly584Ser). This variant is present in population databases (rs782016284, gnomAD 0.02%). This variant has not been reported in the literature in individuals affected with CACNA1F-related conditions. ClinVar contains an entry for this variant (Variation ID: 1002049). Invitae Evidence Modeling of protein sequence and biophysical properties (such as structural, functional, and spatial information, amino acid conservation, physicochemical variation, residue mobility, and thermodynamic stability) indicates that this missense variant is expected to disrupt CACNA1F protein function with a positive predictive value of 80%. In summary, the available evidence is currently insufficient to determine the role of this variant in disease. Therefore, it has been classified as a Variant of Uncertain Significance.

Blueprint Genetics
Classification: Uncertain significance. Last evaluated: 2024-06-10. Review status: criteria provided, single submitter. Criteria: ACMG Guidelines, 2015. Collection method: clinical testing. Allele origin: germline.

Institute of Human Genetics, Univ. Regensburg, Univ. Regensburg
Classification: Uncertain significance for Retinal dystrophy. Last evaluated: 2020-01-01. Review status: no assertion criteria provided. Criteria: ACMG Guidelines, 2015. Collection method: clinical testing. Allele origin: germline. Affected: yes. Not counted in ClinVar's aggregate classification.

NM_001256789.3(CACNA1F):c.1717G>A (p.Gly573Ser)

Gene: CACNA1F (calcium voltage-gated channel subunit alpha1 F; minus strand). Cytogenetic location: Xp11.23.
Variant type: single nucleotide variant.
Coding change: c.1717G>A on transcript NM_001256789.3 (MANE Select); coding-DNA position 1717, G replaced by A.
Protein change: p.Gly573Ser; replaces glycine 573 with serine.
Molecular consequence: missense variant.
Genome position (GRCh38, 1-based): chrX:49,224,921, C>T on the plus strand (G>A on the coding strand, the complement: CACNA1F is on the minus strand). VCF-style: chrX-49224921-C-T. GRCh37 (hg19) VCF-style: chrX-49081383-C-T.
Other names: c.1555G>A, p.Gly519Ser (NM_001256790.3); c.1750G>A, p.Gly584Ser (NM_005183.4); short protein forms G519S, G573S, G584S.
Identifiers: ClinVar variation 1002049 (VCV001002049.10), dbSNP rs782016284, ClinGen allele CA10410801.
Genomic context (GRCh38, chrX:49,224,921, plus strand): 5'-CCCCACAGACCACAAAGCAGTCAAAGCGGTTGAAGAAGGAAGACACATAGGCAGAGGGGC[C>T]CAGACCGTACAATTTGAGAAGCATCTCCACCGTGAACAGACAGAGCAACACTTTGTTGGC-3'
Protein context (NP_001243718.1, residues 563-583): VEMLLKLYGL[Gly573Ser]PSAYVSSFFN